The following is an entry in ClinVar:

NM_006944.3(SPP2):c.394G>A (p.Ala132Thr)

Gene: SPP2 (secreted phosphoprotein 2; plus strand). Cytogenetic location: 2q37.1.
Variant type: single nucleotide variant.
Coding change: c.394G>A on transcript NM_006944.3 (MANE Select); coding-DNA position 394, G replaced by A.
Protein change: p.Ala132Thr; replaces alanine 132 with threonine.
Molecular consequence: missense variant.
Genome position (GRCh38, 1-based): chr2:234,060,429, G>A. VCF-style: chr2-234060429-G-A. GRCh37 (hg19) VCF-style: chr2-234969073-G-A.
Other names: short protein forms A132T.
Identifiers: ClinVar variation 4701931 (VCV004701931.1).
Genomic context (GRCh38, chr2:234,060,429, plus strand): 5'-TCCACAGCTGTTTGCAGAAGCACCGTGAAGGTATCTGCCCAGCAGGTGCAGGGCGTGCAT[G>A]CTCGCTGCAGCTGGTCCTCCTCCACGTCTGAGTCTTACAGCAGCGAAGAGGTATGACTGG-3'
Protein context (NP_008875.1, residues 122-142): VSAQQVQGVH[Ala132Thr]RCSWSSSTSE

ClinVar aggregate classification (germline): Uncertain significance (1 of 4 stars; one submission).

gnomAD v4.1: 19 of 1,613,458 alleles (0.0012%); highest among the groups gnomAD compares: Non-Finnish European, 0.0016%; no homozygotes.

Submission:

Labcorp Genetics (formerly Invitae), Labcorp
Classification: Uncertain significance. Last evaluated: 2025-07-22. Review status: criteria provided, single submitter. Criteria: Invitae Variant Classification Sherloc (09022015). Collection method: clinical testing. Allele origin: germline.
Comment: This sequence change replaces alanine, which is neutral and non-polar, with threonine, which is neutral and polar, at codon 132 of the SPP2 protein (p.Ala132Thr). This variant is not present in population databases (gnomAD no frequency). This variant has not been reported in the literature in individuals affected with SPP2-related conditions. An algorithm developed to predict the effect of missense changes on protein structure and function (PolyPhen-2) suggests that this variant is likely to be tolerated. In summary, the available evidence is currently insufficient to determine the role of this variant in disease. Therefore, it has been classified as a Variant of Uncertain Significance.